The following is an entry in ClinVar:

NM_004984.4(KIF5A):c.2517G>T (p.Gln839His)

Gene: KIF5A (kinesin family member 5A; plus strand). Cytogenetic location: 12q13.3.
Variant type: single nucleotide variant.
Coding change: c.2517G>T on transcript NM_004984.4 (MANE Select); coding-DNA position 2517, G replaced by T.
Protein change: p.Gln839His; replaces glutamine 839 with histidine.
Molecular consequence: missense variant.
Genome position (GRCh38, 1-based): chr12:57,578,321, G>T. VCF-style: chr12-57578321-G-T. GRCh37 (hg19) VCF-style: chr12-57972104-G-T.
Other names: c.2250G>T, p.Gln750His (NM_001354705.2); short protein forms Q750H, Q839H.
Identifiers: ClinVar variation 2643139 (VCV002643139.24), dbSNP rs2540512152, ClinGen allele CA385513804.

ClinVar aggregate classification (germline): Uncertain significance (1 of 4 stars; one submission).

Allele frequency attached by ClinVar (database versions not stated): gnomAD exomes below 0.00001.
gnomAD v4.1: 1 of 1,613,658 alleles (0.000062%); highest among the groups gnomAD compares: Non-Finnish European, 0.000085%; no homozygotes.

Submission:

CeGaT Center for Human Genetics Tuebingen
Classification: Uncertain significance. Last evaluated: 2024-02-01. Review status: criteria provided, single submitter. Criteria: CeGaT Center For Human Genetics Tuebingen Variant Classification Criteria Version 2. Collection method: clinical testing. Allele origin: germline. Affected: yes. Observed: 2 variant alleles.
Comment: KIF5A: PM2, PP3